The following is an entry in ClinVar:

ClinVar aggregate classification (germline): Pathogenic/Likely pathogenic. Review status: criteria provided, multiple submitters, no conflicts (2 of 4 stars). 6 submissions from 6 submitters: Pathogenic (3); Likely pathogenic (3). Last evaluated 2026-04-22.

Conditions:
Hereditary nonpolyposis colorectal neoplasms. Identifiers: MedGen C0009405, MeSH D003123.
Mismatch repair cancer syndrome 4. Identifiers: MedGen C5436817, MONDO:0030843, OMIM 619101.
Hereditary cancer-predisposing syndrome. Also called: Neoplastic Syndromes, Hereditary; Tumor predisposition; Hereditary Cancer Syndrome; Hereditary neoplastic syndrome. Identifiers: Orphanet 140162, MedGen C0027672, MeSH D009386, MONDO:0015356.
Lynch syndrome 4 (LYNCH4). Also called: Colorectal cancer, hereditary nonpolyposis, type 4; Hereditary non-polyposis colorectal cancer, type 4. Identifiers: Orphanet 144, MedGen C1838333, MONDO:0013699, OMIM 614337. Disease mechanism: loss of function.

Submissions (6):

Myriad Genetics, Inc.
Classification: Likely pathogenic for Lynch syndrome 4. Last evaluated: 2026-04-22. Review status: criteria provided, single submitter. Criteria: Myriad Autosomal Dominant, Autosomal Recessive and X-Linked Classification Criteria (2023). Collection method: clinical testing. Allele origin: unknown.
Comment: This variant is considered likely pathogenic. This variant occurs within a consensus splice junction and is predicted to result in abnormal mRNA splicing of either an out-of-frame exon or an in-frame exon necessary for protein stability and/or normal function.

Quest Diagnostics Nichols Institute San Juan Capistrano
Classification: Pathogenic. Last evaluated: 2025-08-05. Review status: criteria provided, single submitter. Criteria: Quest Diagnostics criteria. Collection method: clinical testing. Allele origin: unknown.
Comment: The PMS2 c.989-1G>A variant disrupts a canonical splice-acceptor site and interferes with normal PMS2 mRNA splicing. This variant has been reported in the published literature in an individual with Lynch related cancer (PMID: 31992580 (2020)), and in a hereditary breast and/or ovarian cancer cohort (PMID: 35017683 (2022)). This variant has not been reported in large, multi-ethnic general populations (Genome Aggregation Database). Based on the available information, this variant is classified as pathogenic.

Ambry Genetics
Classification: Likely pathogenic for Hereditary cancer-predisposing syndrome. Last evaluated: 2025-03-27. Review status: criteria provided, single submitter. Criteria: Ambry Variant Classification Scheme 2023. Collection method: clinical testing. Allele origin: germline.
Comment: The c.989-1G>A intronic variant results from a G to A substitution one nucleotide upstream from coding exon 10 of the PMS2 gene. Alterations that disrupt the canonical splice site are expected to result in aberrant splicing. In silico splice site analysis predicts that this alteration will weaken the native splice acceptor site and will result in the creation or strengthening of a novel splice acceptor site. A resulting transcript is predicted to be in-frame and is not expected to trigger nonsense-mediated mRNA decay. RNA studies have demonstrated that this alteration results in a transcript predicted to lead to a protein with an in-frame deletion of 52 amino acids; however, the region predicted to be impacted is critical for protein function (Ambry internal data). This variant has been identified in a proband whose Lynch syndrome-associated tumor demonstrated high microsatellite instability and loss of PMS2 expression by immunohistochemistry (Li S et al. J. Med. Genet. 2020 Jan;57:62-69; Wang Q et al. J Med Genet, 2020 Jul;57:487-499). This variant is considered to be rare based on population cohorts in the Genome Aggregation Database (gnomAD). This nucleotide position is highly conserved in available vertebrate species. Based on the majority of available evidence to date, this variant is likely to be pathogenic.

Department of Pathology and Laboratory Medicine, Sinai Health System
Classification: Likely pathogenic for Mismatch repair cancer syndrome 4. Last evaluated: 2023-11-10. Review status: criteria provided, single submitter. Criteria: ACMG Guidelines, 2015. Collection method: clinical testing. Allele origin: germline. Affected: yes.

Labcorp Genetics (formerly Invitae), Labcorp
Classification: Pathogenic for Hereditary nonpolyposis colorectal neoplasms. Last evaluated: 2023-03-16. Review status: criteria provided, single submitter. Criteria: Invitae Variant Classification Sherloc (09022015). Collection method: clinical testing. Allele origin: germline.
Comment: ClinVar contains an entry for this variant (Variation ID: 1929394). Disruption of this splice site has been observed in individual(s) with colorectal cancer and/or Turcot syndrome (PMID: 19039682, 19723918, 24790682, 31992580). It has also been observed to segregate with disease in related individuals. This variant is not present in population databases (gnomAD no frequency). This sequence change affects an acceptor splice site in intron 9 of the PMS2 gene. It is expected to disrupt RNA splicing. Variants that disrupt the donor or acceptor splice site typically lead to a loss of protein function (PMID: 16199547), and loss-of-function variants in PMS2 are known to be pathogenic (PMID: 21376568, 24362816). Algorithms developed to predict the effect of sequence changes on RNA splicing suggest that this variant may disrupt the consensus splice site. For these reasons, this variant has been classified as Pathogenic.

Revvity Omics, Revvity
Classification: Pathogenic. Last evaluated: 2022-06-23. Review status: criteria provided, single submitter. Criteria: ACMG Guidelines, 2015. Collection method: clinical testing. Allele origin: germline.

Literature cited by the submitters: PubMed 31992580 (cited by 4 submitters); PubMed 35017683 (cited by Quest Diagnostics Nichols Institute San Juan Capistrano); PubMed 24790682 (cited by Department of Pathology and Laboratory Medicine, Sinai Health System and Labcorp Genetics (formerly Invitae), Labcorp); PubMed 19723918 (cited by Department of Pathology and Laboratory Medicine, Sinai Health System and Labcorp Genetics (formerly Invitae), Labcorp); PubMed 19039682 (cited by Department of Pathology and Laboratory Medicine, Sinai Health System and Labcorp Genetics (formerly Invitae), Labcorp); PubMed 16199547 (cited by Labcorp Genetics (formerly Invitae), Labcorp); PubMed 21376568 (cited by Labcorp Genetics (formerly Invitae), Labcorp); PubMed 24362816 (cited by Labcorp Genetics (formerly Invitae), Labcorp).

NM_000535.7(PMS2):c.989-1G>A

Gene: PMS2 (PMS1 homolog 2, mismatch repair system component; minus strand). Cytogenetic location: 7p22.1.
Variant type: single nucleotide variant.
Coding change: c.989-1G>A on transcript NM_000535.7 (MANE Select); the canonical splice acceptor site of the intron before coding-DNA position 989, G replaced by A.
Molecular consequence: splice acceptor variant. On other transcripts: intron variant (10).
Genome position (GRCh38, 1-based): chr7:5,989,956, C>T on the plus strand (G>A on the coding strand, the complement: PMS2 is on the minus strand). VCF-style: chr7-5989956-C-T. GRCh37 (hg19) VCF-style: chr7-6029587-C-T.
Other names: c.680-1G>A (NM_001406875.1, NM_001406877.1, NM_001406879.1 and 5 more transcripts); c.670+2017G>A (NM_001406902.1, NM_001406901.1); c.671-1G>A (NM_001406883.1, NM_001406903.1, NM_001322007.2 and 2 more transcripts); c.476-1G>A (NM_001406904.1, NM_001406905.1); c.584-1G>A (NM_001406889.1, NM_001406910.1, NM_001406908.1 and 16 more transcripts); c.416-1G>A (NM_001322013.2, NM_001406909.1); c.56-1G>A (NM_001322012.2, NM_001322011.2); c.583+2017G>A (NM_001406906.1, NM_001406907.1, NM_001322010.2); and 13 more.
Identifiers: ClinVar variation 1929394 (VCV001929394.12), dbSNP rs587780064, ClinGen allele CA366743046.
Genomic context (GRCh38, chr7:5,989,956, plus strand): 5'-GCTTTTCCTCTTGTAGCAAAATTTGCCTTTTATCTGGAGTAACATTGATATCAACGCATT[C>T]TAAGGCAAAAAAGAAAACATATTTATTATGTTTAAATTCACTTTTATTTTATTTATTAAT-3'